The following is an entry in ClinVar:

NM_032383.5(HPS3):c.1109del (p.Pro370fs)

Gene: HPS3 (HPS3 biogenesis of lysosomal organelles complex 2 subunit 1; plus strand). Cytogenetic location: 3q24.
Variant type: Deletion.
Coding change: c.1109del on transcript NM_032383.5 (MANE Select); coding-DNA position 1109, one base deleted (C; older notation c.1109delC).
Protein change: p.Pro370fs; shifts the reading frame from proline 370.
Molecular consequence: frameshift variant.
Genome position (GRCh38, 1-based): chr3:149,145,492, C deleted; the last of 2 consecutive C bases (chr3:149,145,491-149,145,492); deleting either gives the same sequence. VCF-style (leftmost placement, unchanged base first): chr3-149145490-TC-T. GRCh37 (hg19) VCF-style: chr3-148863277-TC-T.
Other names: c.614del, p.Pro205fs (NM_001308258.2); short protein forms P205fs, P370fs.
Identifiers: ClinVar variation 2693541 (VCV002693541.3), dbSNP rs2473082063, ClinGen allele CA2697556914.
Genomic context (GRCh38, chr3:149,145,490, plus strand): 5'-TCATGTGGGCTATCTCTACATGGTTGTCAAATCTGTTGAATTGATGTCAGTCTACCAGTA[TC>T]CTGAAAAGTCTCAGCAGGCAGTACTCACGCCACAATTTTTGCACGTCATTACAAGGTACT-3'

ClinVar aggregate classification (germline): Pathogenic (1 of 4 stars; one submission).

Submission:

Labcorp Genetics (formerly Invitae), Labcorp
Classification: Pathogenic. Last evaluated: 2025-04-23. Review status: criteria provided, single submitter. Criteria: Invitae Variant Classification Sherloc (09022015). Collection method: clinical testing. Allele origin: germline.
Comment: This sequence change creates a premature translational stop signal (p.Pro370Leufs*45) in the HPS3 gene. It is expected to result in an absent or disrupted protein product. Loss-of-function variants in HPS3 are known to be pathogenic (PMID: 11590544). This variant is not present in population databases (gnomAD no frequency). This variant has not been reported in the literature in individuals affected with HPS3-related conditions. ClinVar contains an entry for this variant (Variation ID: 2693541). For these reasons, this variant has been classified as Pathogenic.

Literature cited by the submitters: PubMed 11590544.